The following is an entry in ClinVar:

NM_004589.4(SCO1):c.259C>T (p.Pro87Ser)

Gene: SCO1 (synthesis of cytochrome C oxidase 1; minus strand). Cytogenetic location: 17p13.1.
Variant type: single nucleotide variant.
Coding change: c.259C>T on transcript NM_004589.4 (MANE Select); coding-DNA position 259, C replaced by T.
Protein change: p.Pro87Ser; replaces proline 87 with serine.
Molecular consequence: missense variant.
Genome position (GRCh38, 1-based): chr17:10,697,249, G>A on the plus strand (C>T on the coding strand, the complement: SCO1 is on the minus strand). VCF-style: chr17-10697249-G-A. GRCh37 (hg19) VCF-style: chr17-10600566-G-A.
Other names: short protein forms P87S.
Identifiers: ClinVar variation 321797 (VCV000321797.12), dbSNP rs757958481, ClinGen allele CA8393677.

ClinVar aggregate classification (germline): Uncertain significance. Review status: criteria provided, multiple submitters, no conflicts (2 of 4 stars). 3 submissions from 3 submitters: Uncertain significance (3). Last evaluated 2024-05-10.

Conditions:
Mitochondrial complex IV deficiency, nuclear type 4. Also called: Mitochondrial complex 4 deficiency, nuclear type 4. Identifiers: MedGen C5436683, MONDO:0033636, OMIM 619048.
Leigh syndrome (NULS). Also called: Leigh Disease; Subacute necrotizing encephalopathy; Necrotizing encephalopathy infantile subacute of Leigh; Leigh's necrotizing encephalopathy; Leigh's disease; Leigh's syndrome. Identifiers: Orphanet 506, MedGen C2931891, MONDO:0009723, OMIM 256000.

Allele frequency attached by ClinVar (database versions not stated): ExAC below 0.00001; gnomAD 0.00003 and 0.00004; TOPMed 0.00004; gnomAD exomes 0.00005 and 0.00010; 1000 Genomes Project 30x 0.00031.

Submissions (3):

Fulgent Genetics
Classification: Uncertain significance for Mitochondrial complex IV deficiency, nuclear type 4. Last evaluated: 2024-05-10. Review status: criteria provided, single submitter. Criteria: ACMG Guidelines, 2015. Collection method: clinical testing. Allele origin: germline.

Labcorp Genetics (formerly Invitae), Labcorp
Classification: Uncertain significance. Last evaluated: 2022-09-23. Review status: criteria provided, single submitter. Criteria: Invitae Variant Classification Sherloc (09022015). Collection method: clinical testing. Allele origin: germline.
Comment: This sequence change replaces proline, which is neutral and non-polar, with serine, which is neutral and polar, at codon 87 of the SCO1 protein (p.Pro87Ser). The frequency data for this variant in the population databases is considered unreliable, as metrics indicate poor data quality at this position in the gnomAD database. This variant has not been reported in the literature in individuals affected with SCO1-related conditions. ClinVar contains an entry for this variant (Variation ID: 321797). Advanced modeling of protein sequence and biophysical properties (such as structural, functional, and spatial information, amino acid conservation, physicochemical variation, residue mobility, and thermodynamic stability) performed at Invitae indicates that this missense variant is not expected to disrupt SCO1 protein function. In summary, the available evidence is currently insufficient to determine the role of this variant in disease. Therefore, it has been classified as a Variant of Uncertain Significance.

Illumina Laboratory Services, Illumina
Classification: Uncertain significance for Leigh syndrome. Last evaluated: 2018-01-13. Review status: criteria provided, single submitter. Criteria: ICSL Variant Classification Criteria 13 December 2019. Collection method: clinical testing. Allele origin: germline.